The following is an entry in ClinVar:

ClinVar aggregate classification (germline): Uncertain significance (1 of 4 stars; one submission).

gnomAD v4.1: 1 of 1,447,600 alleles (0.000069%); highest among the groups gnomAD compares: East Asian, 0.0032%; no homozygotes.

Submission:

Labcorp Genetics (formerly Invitae), Labcorp
Classification: Uncertain significance. Last evaluated: 2025-06-24. Review status: criteria provided, single submitter. Criteria: Invitae Variant Classification Sherloc (09022015). Collection method: clinical testing. Allele origin: germline.
Comment: This sequence change replaces aspartic acid, which is acidic and polar, with asparagine, which is neutral and polar, at codon 50 of the MEOX1 protein (p.Asp50Asn). This variant is not present in population databases (gnomAD no frequency). This variant has not been reported in the literature in individuals affected with MEOX1-related conditions. An algorithm developed to predict the effect of missense changes on protein structure and function (PolyPhen-2) suggests that this variant is likely to be disruptive. In summary, the available evidence is currently insufficient to determine the role of this variant in disease. Therefore, it has been classified as a Variant of Uncertain Significance.

NM_004527.4(MEOX1):c.148G>A (p.Asp50Asn)

Gene: MEOX1 (mesenchyme homeobox 1; minus strand). Cytogenetic location: 17q21.31.
Variant type: single nucleotide variant.
Coding change: c.148G>A on transcript NM_004527.4 (MANE Select); coding-DNA position 148, G replaced by A.
Protein change: p.Asp50Asn; replaces aspartic acid 50 with asparagine.
Molecular consequence: missense variant. On other transcripts: 5 prime UTR variant (1).
Genome position (GRCh38, 1-based): chr17:43,661,387, C>T on the plus strand (G>A on the coding strand, the complement: MEOX1 is on the minus strand). VCF-style: chr17-43661387-C-T. GRCh37 (hg19) VCF-style: chr17-41738755-C-T.
Other names: c.-198G>A (NM_001040002.2); c.148G>A, p.Asp50Asn (NM_013999.4); short protein forms D50N.
Identifiers: ClinVar variation 4719611 (VCV004719611.1).